The following is an entry in ClinVar:

NM_000444.6(PHEX):c.226C>G (p.Pro76Ala)

Gene: PHEX (phosphate regulating endopeptidase X-linked; plus strand). Cytogenetic location: Xp22.11.
Variant type: single nucleotide variant.
Coding change: c.226C>G on transcript NM_000444.6 (MANE Select); coding-DNA position 226, C replaced by G.
Protein change: p.Pro76Ala; replaces proline 76 with alanine.
Molecular consequence: missense variant.
Genome position (GRCh38, 1-based): chrX:22,047,088, C>G. VCF-style: chrX-22047088-C-G. GRCh37 (hg19) VCF-style: chrX-22065206-C-G.
Other names: c.226C>G, p.Pro76Ala (NM_001282754.2); c.226C>G (NM_000444.4); short protein forms P76A.
Identifiers: ClinVar variation 1049289 (VCV001049289.3), dbSNP rs201394441, ClinGen allele CA10368001.
Genomic context (GRCh38, chrX:22,047,088, plus strand): 5'-CTATGATTTTCTTTCTAAATAGCTGCTGCCATCTTAAGTAAAGTAAATCTGTCTGTGGAT[C>G]CTTGTGATAATTTCTTCCGGTTCGCTTGTGATGGCTGGATAAGCAATAATCCAATTCCCG-3'
Protein context (NP_000435.3, residues 66-86): ILSKVNLSVD[Pro76Ala]CDNFFRFACD

ClinVar aggregate classification (germline): Uncertain significance. Review status: criteria provided, multiple submitters, no conflicts (2 of 4 stars). 3 submissions from 3 submitters: Uncertain significance (2). 1 of the submissions does not count toward it. Last evaluated 2025-02-05.

Conditions:
Familial X-linked hypophosphatemic vitamin D refractory rickets (XLHRD). Also called: Hypophosphatemic Rickets, X-Linked Dominant; X-Linked Hypophosphatemia; HYPOPHOSPHATEMIC VITAMIN D-RESISTANT RICKETS; Hypophosphatemia, vitamin D-resistant rickets; Vitamin D-resistant rickets, X-linked. Identifiers: Orphanet 89936, MedGen C0733682, MONDO:0010619, OMIM 307800.
Inborn genetic diseases. Identifiers: MedGen C0950123, MeSH D030342.

Allele frequency attached by ClinVar (database versions not stated): TOPMed below 0.00001; ExAC 0.00001; gnomAD exomes 0.00001.
gnomAD v4.1: 7 of 1,208,731 alleles (0.00058%); highest among the groups gnomAD compares: Non-Finnish European, 0.00078%; no homozygotes.

Submissions (3):

Ambry Genetics
Classification: Uncertain significance for Inborn genetic diseases. Last evaluated: 2025-02-05. Review status: criteria provided, single submitter. Criteria: Ambry Variant Classification Scheme 2023. Collection method: clinical testing. Allele origin: germline.

Fulgent Genetics
Classification: Uncertain significance for Familial X-linked hypophosphatemic vitamin D refractory rickets. Last evaluated: 2022-05-16. Review status: criteria provided, single submitter. Criteria: ACMG Guidelines, 2015. Collection method: clinical testing. Allele origin: unknown.

Department of Pathology and Laboratory Medicine, Sinai Health System
Classification: Uncertain significance. Review status: no assertion criteria provided. Collection method: clinical testing. Allele origin: unknown. Affected: yes. Study: The Canadian Open Genetics Repository (COGR). Not counted in ClinVar's aggregate classification.
Comment: The PHEX p.Pro76Ala variant was not identified in the literature nor was it identified in ClinVar. The variant was identified in dbSNP (ID: rs201394441) and in control databases in 1 of 183372 chromosomes at a frequency of 0.000005453 (Genome Aggregation Database March 6, 2019, v2.1.1). The variant was observed in the European (non-Finnish) population in 1 of 81836 chromosomes (freq: 0.000012), but was not observed in the African, Latino, Ashkenazi Jewish, East Asian, European (Finnish), Other, or South Asian populations. The p.Pro76 residue is conserved across mammals and other organisms, and computational analyses (PolyPhen-2, SIFT, AlignGVGD, BLOSUM, MutationTaster) suggest that the variant may impact the protein; however, this information is not predictive enough to assume pathogenicity. The variant occurs outside of the splicing consensus sequence and in silico or computational prediction software programs (SpliceSiteFinder, MaxEntScan, NNSPLICE, GeneSplicer) do not predict a difference in splicing. In summary, based on the above information the clinical significance of this variant cannot be determined with certainty at this time. This variant is classified as a variant of uncertain significance.